The following is an entry in ClinVar:

NM_000138.5(FBN1):c.5371T>A (p.Cys1791Ser)

Gene: FBN1 (fibrillin 1; minus strand). Cytogenetic location: 15q21.1.
Variant type: single nucleotide variant.
Coding change: c.5371T>A on transcript NM_000138.5 (MANE Select); coding-DNA position 5371, T replaced by A.
Protein change: p.Cys1791Ser; replaces cysteine 1791 with serine.
Molecular consequence: missense variant.
Genome position (GRCh38, 1-based): chr15:48,456,688, A>T on the plus strand (T>A on the coding strand, the complement: FBN1 is on the minus strand). VCF-style: chr15-48456688-A-T. GRCh37 (hg19) VCF-style: chr15-48748885-A-T.
Other names: c.5371T>A, p.Cys1791Ser (NM_001406716.1); short protein forms C1791S.
Identifiers: ClinVar variation 1747108 (VCV001747108.2), dbSNP rs1555396427, ClinGen allele CA392346025.

ClinVar aggregate classification (germline): Likely pathogenic (1 of 4 stars; one submission).

Conditions:
Familial thoracic aortic aneurysm and aortic dissection (TAAD). Also called: Thoracic aortic aneurysms and dissections. Identifiers: Orphanet 91387, MedGen C4707243, MONDO:0019625.

Submission:

Ambry Genetics
Classification: Likely pathogenic for Familial thoracic aortic aneurysm and aortic dissection. Last evaluated: 2018-08-06. Review status: criteria provided, single submitter. Criteria: Ambry Variant Classification Scheme 2023. Collection method: clinical testing. Allele origin: germline.
Comment: The p.C1791S variant (also known as c.5371T>A), located in coding exon 43 of the FBN1 gene, results from a T to A substitution at nucleotide position 5371. The cysteine at codon 1791 is replaced by serine, an amino acid with dissimilar properties, and is located in the cbEGF-like #25 domain. The majority of FBN1 mutations identified to date have involved the substitution or generation of cysteine residues within cbEGF domains (Vollbrandt T et al. J Biol Chem. 2004;279(31):32924-32931). Three likely pathogenic alterations in the same codon (p.C1791R, p.C1791Y, and p.C1791F) have been previously described (Loeys B et al. Arch. Intern. Med. 2001;161(20):2447-54; Rommel K et al. Hum. Mutat. 2005;26(6):529-39; Howarth R et al. Genet. Test. 2007;11(2):146-52). Internal structural analysis indicates that this alteration disrupts a disulfide bond and is structurally destabilizing (Lee SS et al. Structure. 2004;12(4):717-29). This amino acid position is highly conserved in available vertebrate species. In addition, this alteration is predicted to be deleterious by in silico analysis. Based on the majority of available evidence to date, this variant is likely to be pathogenic.